The following is an entry in ClinVar:

NM_052963.3(TOP1MT):c.760G>A (p.Glu254Lys)

Gene: TOP1MT (DNA topoisomerase I mitochondrial; minus strand). Cytogenetic location: 8q24.3.
Variant type: single nucleotide variant.
Coding change: c.760G>A on transcript NM_052963.3 (MANE Select); coding-DNA position 760, G replaced by A.
Protein change: p.Glu254Lys; replaces glutamic acid 254 with lysine.
Molecular consequence: missense variant.
Genome position (GRCh38, 1-based): chr8:143,324,541, C>T on the plus strand (G>A on the coding strand, the complement: TOP1MT is on the minus strand). VCF-style: chr8-143324541-C-T. GRCh37 (hg19) VCF-style: chr8-144406711-C-T.
Other names: c.466G>A, p.Glu156Lys (NM_001258446.1, NM_001258447.1); short protein forms E156K, E254K.
Identifiers: ClinVar variation 1965010 (VCV001965010.5), dbSNP rs1249873642, ClinGen allele CA372415517.

ClinVar aggregate classification (germline): Uncertain significance (1 of 4 stars; one submission).

Allele frequency attached by ClinVar (database versions not stated): gnomAD 0.00001; TOPMed 0.00002.
gnomAD v4.1: 4 of 1,613,778 alleles (0.00025%); highest among the groups gnomAD compares: African/African-American, 0.0027%; no homozygotes.

Submission:

Labcorp Genetics (formerly Invitae), Labcorp
Classification: Uncertain significance. Last evaluated: 2023-05-15. Review status: criteria provided, single submitter. Criteria: Invitae Variant Classification Sherloc (09022015). Collection method: clinical testing. Allele origin: germline.
Comment: In summary, the available evidence is currently insufficient to determine the role of this variant in disease. Therefore, it has been classified as a Variant of Uncertain Significance. Advanced modeling of protein sequence and biophysical properties (such as structural, functional, and spatial information, amino acid conservation, physicochemical variation, residue mobility, and thermodynamic stability) performed at Invitae indicates that this missense variant is expected to disrupt TOP1MT protein function. ClinVar contains an entry for this variant (Variation ID: 1965010). This variant has not been reported in the literature in individuals affected with TOP1MT-related conditions. This variant is present in population databases (no rsID available, gnomAD 0.003%). This sequence change replaces glutamic acid, which is acidic and polar, with lysine, which is basic and polar, at codon 254 of the TOP1MT protein (p.Glu254Lys).